The following is an entry in ClinVar:

NM_002227.4(JAK1):c.1297G>A (p.Val433Ile)

Gene: JAK1 (Janus kinase 1; minus strand). Cytogenetic location: 1p31.3.
Variant type: single nucleotide variant.
Coding change: c.1297G>A on transcript NM_002227.4 (MANE Select); coding-DNA position 1297, G replaced by A.
Protein change: p.Val433Ile; replaces valine 433 with isoleucine.
Molecular consequence: missense variant.
Genome position (GRCh38, 1-based): chr1:64,860,142, C>T on the plus strand (G>A on the coding strand, the complement: JAK1 is on the minus strand). VCF-style: chr1-64860142-C-T. GRCh37 (hg19) VCF-style: chr1-65325825-C-T.
Other names: c.1297G>A, p.Val433Ile (NM_001320923.2, NM_001321852.2, NM_001321853.2 and 4 more transcripts); short protein forms V433I.
Identifiers: ClinVar variation 4737561 (VCV004737561.1).

ClinVar aggregate classification (germline): Uncertain significance (1 of 4 stars; one submission).

gnomAD v4.1: 6 of 1,598,166 alleles (0.00038%); highest among the groups gnomAD compares: South Asian, 0.0011%; no homozygotes.

Submission:

Labcorp Genetics (formerly Invitae), Labcorp
Classification: Uncertain significance. Last evaluated: 2026-01-06. Review status: criteria provided, single submitter. Criteria: Invitae Variant Classification Sherloc (09022015). Collection method: clinical testing. Allele origin: germline.
Comment: This sequence change replaces valine, which is neutral and non-polar, with isoleucine, which is neutral and non-polar, at codon 433 of the JAK1 protein (p.Val433Ile). This variant is present in population databases (rs375122732, gnomAD 0.002%). This variant has not been reported in the literature in individuals affected with JAK1-related conditions. Invitae Evidence Modeling of protein sequence and biophysical properties (such as structural, functional, and spatial information, amino acid conservation, physicochemical variation, residue mobility, and thermodynamic stability) indicates that this missense variant is not expected to disrupt JAK1 protein function with a negative predictive value of 80%. In summary, the available evidence is currently insufficient to determine the role of this variant in disease. Therefore, it has been classified as a Variant of Uncertain Significance.